The following is an entry in ClinVar:

NM_206933.4(USH2A):c.3665C>T (p.Ala1222Val)

Genes: USH2A (usherin; minus strand), USH2A-AS1 (USH2A antisense RNA 1; plus strand). Cytogenetic location: 1q41.
Variant type: single nucleotide variant.
Coding change: c.3665C>T on transcript NM_206933.4 (MANE Select); coding-DNA position 3665, C replaced by T.
Protein change: p.Ala1222Val; replaces alanine 1222 with valine.
Molecular consequence: missense variant.
Genome position (GRCh38, 1-based): chr1:216,199,773, G>A on the plus strand (C>T on the coding strand, the complement: USH2A is on the minus strand). VCF-style: chr1-216199773-G-A. GRCh37 (hg19) VCF-style: chr1-216373115-G-A.
Other names: c.3665C>T, p.Ala1222Val (NM_007123.6); short protein forms A1222V.
Identifiers: ClinVar variation 866990 (VCV000866990.13), dbSNP rs200081251, ClinGen allele CA1395947.

ClinVar aggregate classification (germline): Conflicting classifications of pathogenicity. Review status: criteria provided, conflicting classifications (1 of 4 stars). 3 submissions from 3 submitters: Uncertain significance (2); Likely benign (1). Last evaluated 2025-05-15.

Allele frequency attached by ClinVar (database versions not stated): gnomAD 0.00003; TOPMed 0.00003; gnomAD exomes 0.00006; ExAC 0.00007; 1000 Genomes Project 30x 0.00016; 1000 Genomes Project 0.00020.
gnomAD v4.1: 22 of 1,614,084 alleles (0.0014%); highest among the groups gnomAD compares: East Asian, 0.029%; no homozygotes.

Submissions (4):

GeneDx
Classification: Uncertain significance. Last evaluated: 2025-05-15. Review status: criteria provided, single submitter. Criteria: GeneDx Variant Classification Process June 2021. Collection method: clinical testing. Allele origin: germline. Affected: yes.
Comment: In silico analysis suggests that this missense variant does not alter protein structure/function; In silico analysis suggests this variant may impact gene splicing. In the absence of RNA/functional studies, the actual effect of this sequence change is unknown.; This variant is associated with the following publications: (PMID: 33608557, 38879497)

Labcorp Genetics (formerly Invitae), Labcorp
Classification: Likely benign. Last evaluated: 2025-03-17. Review status: criteria provided, single submitter. Criteria: Invitae Variant Classification Sherloc (09022015). Collection method: clinical testing. Allele origin: germline.

Blueprint Genetics
Classification: Uncertain significance. Last evaluated: 2023-07-19. Review status: criteria provided, single submitter. Criteria: ACMG Guidelines, 2015. Collection method: clinical testing. Allele origin: germline.

Dr. Peter K. Rogan Lab, Western University
No classification provided (evidence only). Condition: Lung cancer. Review status: no classification provided. Collection method: in vitro. Allele origin: not applicable. Functional consequence: retained intron. Not counted in ClinVar's aggregate classification.